The following is an entry in ClinVar:

ClinVar aggregate classification (germline): Uncertain significance (1 of 4 stars; one submission).

Submission:

Ambry Genetics
Classification: Uncertain significance. Last evaluated: 2024-03-27. Review status: criteria provided, single submitter. Criteria: Ambry Variant Classification Scheme 2023. Collection method: clinical testing. Allele origin: germline.
Comment: The p.Y139C variant (also known as c.416A>G), located in coding exon 3 of the IDH1 gene, results from an A to G substitution at nucleotide position 416. The tyrosine at codon 139 is replaced by cysteine, an amino acid with highly dissimilar properties. This amino acid position is conserved. In addition, this alteration is predicted to be deleterious by in silico analysis. Based on the available evidence, the clinical significance of this alteration remains unclear.

NM_005896.4(IDH1):c.416A>G (p.Tyr139Cys)

Gene: IDH1 (isocitrate dehydrogenase (NADP(+)) 1; minus strand). Cytogenetic location: 2q34.
Variant type: single nucleotide variant.
Coding change: c.416A>G on transcript NM_005896.4 (MANE Select); coding-DNA position 416, A replaced by G.
Protein change: p.Tyr139Cys; replaces tyrosine 139 with cysteine.
Molecular consequence: missense variant.
Genome position (GRCh38, 1-based): chr2:208,245,423, T>C on the plus strand (A>G on the coding strand, the complement: IDH1 is on the minus strand). VCF-style: chr2-208245423-T-C. GRCh37 (hg19) VCF-style: chr2-209110147-T-C.
Other names: c.416A>G, p.Tyr139Cys (NM_001282386.1, NM_001282387.1); short protein forms Y139C.
Identifiers: ClinVar variation 3285232 (VCV003285232.1).
Genomic context (GRCh38, chr2:208,245,423, plus strand): 5'-CTTGGTGTGTAGGTTATCTCTACTTTTCCAGGCCCAGGAACAACAAAATCAGTTGCTCTG[T>C]ACTGTGTAGAGGGGAAAAAGGTATAAAGAAAAAAAAAATACCCTAGCAGGAATTGTAAGG-3'
Protein context (NP_005887.2, residues 129-149): IIGRHAYGDQ[Tyr139Cys]RATDFVVPGP